The following is an entry in ClinVar:

NM_032380.5(GFM2):c.250_261del (p.Thr84_Thr87del)

Gene: GFM2 (GTP dependent ribosome recycling factor mitochondrial 2; minus strand). Cytogenetic location: 5q13.3.
Variant type: Deletion.
Coding change: c.250_261del on transcript NM_032380.5 (MANE Select); coding-DNA positions 250 to 261, 12 bases deleted (ACTACCACCACA).
Protein change: p.Thr84_Thr87del.
Molecular consequence: inframe deletion. On other transcripts: non-coding transcript variant (1).
Genome position (GRCh38, 1-based): chr5:74,758,892-74,758,903, TGTGGTGGTAGT deleted on the plus strand (ACTACCACCACA on the coding strand, the reverse complement: GFM2 is on the minus strand); deleting any 12 consecutive bases within chr5:74,758,892-74,758,904 gives the same sequence; the c. name uses the placement nearest the transcript's 3' end. VCF-style (leftmost placement, unchanged base first): chr5-74758891-CTGTGGTGGTAGT-C. GRCh37 (hg19) VCF-style: chr5-74054716-CTGTGGTGGTAGT-C.
Other names: c.346_357del, p.Thr116_Thr119del (NM_001281302.2); c.250_261del, p.Thr84_Thr87del (NM_170681.3, NM_170691.3).
Identifiers: ClinVar variation 2073124 (VCV002073124.4), dbSNP rs2479010148, ClinGen allele CA2580073412.
Genomic context (GRCh38, chr5:74,758,891, plus strand): 5'-GGAGGAATCCATTCTAACCTCCCAGTGATCTTGTATATCCGGAATAGTACAATATTCTTT[CTGTGGTGGTAGT>C]TTTGCCTGCATCAATATGAGCCATAATTCCAATATTACGGATTCTGTTTAAAAGGAAAAA-3'

ClinVar aggregate classification (germline): Uncertain significance (1 of 4 stars; one submission).

Submission:

Labcorp Genetics (formerly Invitae), Labcorp
Classification: Uncertain significance. Last evaluated: 2023-03-10. Review status: criteria provided, single submitter. Criteria: Invitae Variant Classification Sherloc (09022015). Collection method: clinical testing. Allele origin: germline.
Comment: In summary, the available evidence is currently insufficient to determine the role of this variant in disease. Therefore, it has been classified as a Variant of Uncertain Significance. Experimental studies and prediction algorithms are not available or were not evaluated, and the functional significance of this variant is currently unknown. ClinVar contains an entry for this variant (Variation ID: 2073124). This variant has not been reported in the literature in individuals affected with GFM2-related conditions. This variant is not present in population databases (gnomAD no frequency). This variant, c.250_261del, results in the deletion of 4 amino acid(s) of the GFM2 protein (p.Thr84_Thr87del), but otherwise preserves the integrity of the reading frame.